The following is an entry in ClinVar:

NM_152564.5(VPS13B):c.11094G>A (p.Met3698Ile)

Gene: VPS13B (vacuolar protein sorting 13 homolog B; plus strand). Cytogenetic location: 8q22.2.
Variant type: single nucleotide variant.
Coding change: c.11094G>A on transcript NM_152564.5 (MANE Select); coding-DNA position 11094, G replaced by A.
Protein change: p.Met3698Ile; replaces methionine 3698 with isoleucine.
Molecular consequence: missense variant.
Genome position (GRCh38, 1-based): chr8:99,861,825, G>A. VCF-style: chr8-99861825-G-A. GRCh37 (hg19) VCF-style: chr8-100874053-G-A.
Other names: c.11169G>A, p.Met3723Ile (NM_017890.5); short protein forms M3698I, M3723I.
Identifiers: ClinVar variation 2062667 (VCV002062667.1), dbSNP rs1259021225, ClinGen allele CA371790383.

ClinVar aggregate classification (germline): Uncertain significance (1 of 4 stars; one submission).

Conditions:
Cohen syndrome (COH1). Also called: Cutis verticis gyrata, retinitis pigmentosa, and sensorineural deafness; PEPPER SYNDROME. Identifiers: Orphanet 193, MedGen C0265223, MONDO:0008999, OMIM 216550.

Submission:

Labcorp Genetics (formerly Invitae), Labcorp
Classification: Uncertain significance for Cohen syndrome. Last evaluated: 2022-07-03. Review status: criteria provided, single submitter. Criteria: Invitae Variant Classification Sherloc (09022015). Collection method: clinical testing. Allele origin: germline.
Comment: This sequence change replaces methionine, which is neutral and non-polar, with isoleucine, which is neutral and non-polar, at codon 3723 of the VPS13B protein (p.Met3723Ile). This variant is not present in population databases (gnomAD no frequency). This variant has not been reported in the literature in individuals affected with VPS13B-related conditions. Algorithms developed to predict the effect of missense changes on protein structure and function are either unavailable or do not agree on the potential impact of this missense change (SIFT: "Not Available"; PolyPhen-2: "Benign"; Align-GVGD: "Not Available"). In summary, the available evidence is currently insufficient to determine the role of this variant in disease. Therefore, it has been classified as a Variant of Uncertain Significance.